The following is an entry in ClinVar:

ClinVar aggregate classification (germline): Uncertain significance. Review status: criteria provided, multiple submitters, no conflicts (2 of 4 stars). 2 submissions from 2 submitters: Uncertain significance (2). Last evaluated 2024-10-29.

Conditions:
Short-rib thoracic dysplasia 11 with or without polydactyly (SRTD11). Also called: SHORT-RIB THORACIC DYSPLASIA 11 WITHOUT POLYDACTYLY. Identifiers: Orphanet 474, Orphanet 93271, MedGen C3810200, MONDO:0014287, OMIM 615633.
Inborn genetic diseases. Identifiers: MedGen C0950123, MeSH D030342.

Allele frequency attached by ClinVar (database versions not stated): TOPMed 0.00004; ExAC 0.00006; gnomAD 0.00006; gnomAD exomes 0.00006; ESP Exome Variant Server 0.00008.
gnomAD v4.1: 134 of 1,610,246 alleles (0.0083%); highest among the groups gnomAD compares: South Asian, 0.012%; no homozygotes.

Submissions (2):

Ambry Genetics
Classification: Uncertain significance for Inborn genetic diseases. Last evaluated: 2024-10-29. Review status: criteria provided, single submitter. Criteria: Ambry Variant Classification Scheme 2023. Collection method: clinical testing. Allele origin: germline.

Labcorp Genetics (formerly Invitae), Labcorp
Classification: Uncertain significance for Short-rib thoracic dysplasia 11 with or without polydactyly. Last evaluated: 2024-10-29. Review status: criteria provided, single submitter. Criteria: Invitae Variant Classification Sherloc (09022015). Collection method: clinical testing. Allele origin: germline.
Comment: This sequence change replaces valine, which is neutral and non-polar, with methionine, which is neutral and non-polar, at codon 195 of the WDR34 protein (p.Val195Met). This variant is present in population databases (rs370632485, gnomAD 0.01%). This variant has not been reported in the literature in individuals affected with WDR34-related conditions. ClinVar contains an entry for this variant (Variation ID: 1681238). An algorithm developed to predict the effect of missense changes on protein structure and function (PolyPhen-2) suggests that this variant is likely to be disruptive. In summary, the available evidence is currently insufficient to determine the role of this variant in disease. Therefore, it has been classified as a Variant of Uncertain Significance.

NM_052844.4(DYNC2I2):c.583G>A (p.Val195Met)

Gene: DYNC2I2 (dynein 2 intermediate chain 2; minus strand). Cytogenetic location: 9q34.11.
Variant type: single nucleotide variant.
Coding change: c.583G>A on transcript NM_052844.4 (MANE Select); coding-DNA position 583, G replaced by A.
Protein change: p.Val195Met; replaces valine 195 with methionine.
Molecular consequence: missense variant.
Genome position (GRCh38, 1-based): chr9:128,636,401, C>T on the plus strand (G>A on the coding strand, the complement: DYNC2I2 is on the minus strand). VCF-style: chr9-128636401-C-T. GRCh37 (hg19) VCF-style: chr9-131398680-C-T.
Other names: c.583G>A (NM_052844.3); short protein forms V195M.
Identifiers: ClinVar variation 1681238 (VCV001681238.6), dbSNP rs370632485, ClinGen allele CA5266553.
Genomic context (GRCh38, chr9:128,636,401, plus strand): 5'-CCACCACGGCCGACGGCTGCTGGGGACGCAGGTCTCGCCGGTCCAGGTTCCAGGCACACA[C>T]GAAGGACTTAAGCGTGCTCCAGTCCCCATGGTCCAGCCTGTGCAGGGACAGGCTTGAGCC-3'
Protein context (NP_443076.2, residues 185-205): HGDWSTLKSF[Val195Met]CAWNLDRRDL